The following is an entry in ClinVar:

NM_030665.4(RAI1):c.5712G>A (p.Arg1904=)

Gene: RAI1 (retinoic acid induced 1; plus strand). Cytogenetic location: 17p11.2.
Variant type: single nucleotide variant.
Coding change: c.5712G>A on transcript NM_030665.4 (MANE Select); coding-DNA position 5712, G replaced by A.
Protein change: p.Arg1904=; no amino-acid change (arginine 1904 retained).
Molecular consequence: synonymous variant.
Genome position (GRCh38, 1-based): chr17:17,809,972, G>A. VCF-style: chr17-17809972-G-A. GRCh37 (hg19) VCF-style: chr17-17713286-G-A.
Identifiers: ClinVar variation 3347301 (VCV003347301.1).

ClinVar aggregate classification (germline): Likely benign (0 of 4 stars; one submission).

Conditions:
RAI1-related disorder. Also called: RAI1-related condition.

gnomAD v4.1: 5 of 1,553,666 alleles (0.00032%); highest among the groups gnomAD compares: Admixed American, 0.0039%; no homozygotes.

Submission:

PreventionGenetics, part of Exact Sciences
Classification: Likely benign for RAI1-related condition. Last evaluated: 2024-05-05. Review status: no assertion criteria provided. Collection method: clinical testing. Allele origin: germline.
Comment: This variant is classified as likely benign based on ACMG/AMP sequence variant interpretation guidelines (Richards et al. 2015 PMID: 25741868, with internal and published modifications).